The following is an entry in ClinVar:

NM_052947.4(ALPK2):c.1111C>G (p.Leu371Val)

Genes: ALPK2 (alpha kinase 2; minus strand), LOC114803473 (ALPK2 eExon liver enhancer; plus strand). Cytogenetic location: 18q21.31.
Variant type: single nucleotide variant.
Coding change: c.1111C>G on transcript NM_052947.4 (MANE Select); coding-DNA position 1111, C replaced by G.
Protein change: p.Leu371Val; replaces leucine 371 with valine.
Molecular consequence: missense variant.
Genome position (GRCh38, 1-based): chr18:58,579,665, G>C on the plus strand (C>G on the coding strand, the complement: ALPK2 is on the minus strand). VCF-style: chr18-58579665-G-C. GRCh37 (hg19) VCF-style: chr18-56246897-G-C.
Other names: short protein forms L371V.
Identifiers: ClinVar variation 2626043 (VCV002626043.2), dbSNP rs771356284, ClinGen allele CA8977321.

ClinVar aggregate classification (germline): Uncertain significance (1 of 4 stars; one submission).

Allele frequency attached by ClinVar (database versions not stated): ExAC 0.00001.
gnomAD v4.1: 1 of 1,613,834 alleles (0.000062%); highest among the groups gnomAD compares: Non-Finnish European, 0.000085%; no homozygotes.

Submission:

Ambry Genetics
Classification: Uncertain significance. Last evaluated: 2023-09-05. Review status: criteria provided, single submitter. Criteria: Ambry Variant Classification Scheme 2023. Collection method: clinical testing. Allele origin: germline.
Comment: The p.L371V variant (also known as c.1111C>G), located in coding exon 3 of the ALPK2 gene, results from a C to G substitution at nucleotide position 1111. The leucine at codon 371 is replaced by valine, an amino acid with highly similar properties. This amino acid position is conserved. In addition, this alteration is predicted to be tolerated by in silico analysis. Since supporting evidence is limited at this time, the clinical significance of this alteration remains unclear.